The following is an entry in ClinVar:

ClinVar aggregate classification (germline): Likely benign. Review status: criteria provided, multiple submitters, no conflicts (2 of 4 stars). 5 submissions from 5 submitters: Likely benign (5). Last evaluated 2025-10-28.

Conditions:
Cardiovascular phenotype. Identifiers: MedGen CN230736.
Myofibrillar myopathy 5. Also called: Filaminopathy (type); FILAMINOPATHY, AUTOSOMAL DOMINANT. Identifiers: Orphanet 171445, MedGen C1836050, MONDO:0012289, OMIM 609524.
Hypertrophic cardiomyopathy 26. Also called: Cardiomyopathy, familial hypertrophic, 26. Identifiers: Orphanet 75249, MedGen C4310749, MONDO:0014883, OMIM 617047.
Distal myopathy with posterior leg and anterior hand involvement. Also called: WILLIAMS DISTAL MYOPATHY. Identifiers: Orphanet 63273, MedGen C3279722, MONDO:0013550, OMIM 614065.

Allele frequency attached by ClinVar (database versions not stated): ExAC 0.00002; gnomAD exomes 0.00002; gnomAD 0.00003 and 0.00004; TOPMed 0.00005.
gnomAD v4.1: 34 of 1,612,866 alleles (0.0021%); highest among the groups gnomAD compares: Admixed American, 0.0033%; no homozygotes.

Submissions (5):

Labcorp Genetics (formerly Invitae), Labcorp
Classification: Likely benign for Distal myopathy with posterior leg and anterior hand involvement; Myofibrillar myopathy 5; Hypertrophic cardiomyopathy 26. Last evaluated: 2025-10-28. Review status: criteria provided, single submitter. Criteria: Invitae Variant Classification Sherloc (09022015). Collection method: clinical testing. Allele origin: germline.

Molecular Diagnostic Laboratory for Inherited Cardiovascular Disease, Montreal Heart Institute
Classification: Likely benign. Last evaluated: 2025-04-09. Review status: criteria provided, single submitter. Criteria: ACMG Guidelines, 2015. Collection method: clinical testing. Allele origin: germline. Affected: no.
Comment: BP6;BP7

Blueprint Genetics
Classification: Likely benign. Last evaluated: 2023-06-07. Review status: criteria provided, single submitter. Criteria: ACMG Guidelines, 2015. Collection method: clinical testing. Allele origin: germline.

GeneDx
Classification: Likely benign. Last evaluated: 2021-03-08. Review status: criteria provided, single submitter. Criteria: GeneDx Variant Classification Process June 2021. Collection method: clinical testing. Allele origin: germline. Affected: yes.

Ambry Genetics
Classification: Likely benign for Cardiovascular phenotype. Last evaluated: 2019-01-21. Review status: criteria provided, single submitter. Criteria: Ambry Variant Classification Scheme 2023. Collection method: clinical testing. Allele origin: germline.

NM_001458.5(FLNC):c.1347C>T (p.Thr449=)

Gene: FLNC (filamin C; plus strand). Cytogenetic location: 7q32.1.
Variant type: single nucleotide variant.
Coding change: c.1347C>T on transcript NM_001458.5 (MANE Select); coding-DNA position 1347, C replaced by T.
Protein change: p.Thr449=; no amino-acid change (threonine 449 retained).
Molecular consequence: synonymous variant.
Genome position (GRCh38, 1-based): chr7:128,838,739, C>T. VCF-style: chr7-128838739-C-T. GRCh37 (hg19) VCF-style: chr7-128478793-C-T.
Other names: c.1347C>T, p.Thr449= (NM_001127487.2).
Identifiers: ClinVar variation 739495 (VCV000739495.17), dbSNP rs776162830, ClinGen allele CA4474304.
Genomic context (GRCh38, chr7:128,838,739, plus strand): 5'-GGACAAGGGTGACAGCACGTTCCGCTGCACATACAGACCTGCCATGGAGGGGCCACATAC[C>T]GTGCATGTGGCCTTTGCGGGTGCCCCCATCACCCGCAGTCCCTTCCCTGTCCATGTGTCG-3'
Protein context (NP_001449.3, residues 439-459): TYRPAMEGPH[Thr449=]VHVAFAGAPI